The following is an entry in ClinVar:

ClinVar aggregate classification (germline): Benign (1 of 4 stars; one submission).

Allele frequency attached by ClinVar (database versions not stated): TOPMed 0.79216; gnomAD 0.79825 and 0.80102; 1000 Genomes Project 30x 0.81980; 1000 Genomes Project 0.82268.
gnomAD v4.1: 121,917 of 152,108 alleles (80%); highest among the groups gnomAD compares: East Asian, 92%; 49,046 homozygotes.

Submission:

GeneDx
Classification: Benign. Last evaluated: 2018-06-14. Review status: criteria provided, single submitter. Criteria: GeneDx Variant Classification (06012015). Collection method: clinical testing. Allele origin: germline. Affected: yes.
Comment: This variant is considered likely benign or benign based on one or more of the following criteria: it is a conservative change, it occurs at a poorly conserved position in the protein, it is predicted to be benign by multiple in silico algorithms, and/or has population frequency not consistent with disease.

NM_020408.6(LYRM4):c.208-34467G>A

Genes: LYRM4 (LYR motif containing 4; minus strand), LYRM4-AS1 (LYRM4 antisense RNA 1; plus strand). Cytogenetic location: 6p25.1.
Variant type: single nucleotide variant.
Coding change: c.208-34467G>A on transcript NM_020408.6 (MANE Select); 34467 bases into the intron before coding-DNA position 208, G replaced by A.
Molecular consequence: intron variant.
Genome position (GRCh38, 1-based): chr6:5,143,958, C>T on the plus strand (G>A on the coding strand, the complement: LYRM4 is on the minus strand). VCF-style: chr6-5143958-C-T. GRCh37 (hg19) VCF-style: chr6-5144192-C-T.
Other names: c.207+72660G>A (NM_001318783.1); c.*41+180G>A (NM_001164841.3); c.208-5219G>A (NM_001318782.1).
Identifiers: ClinVar variation 680627 (VCV000680627.1), dbSNP rs399120, ClinGen allele CA15439529.